The following is an entry in ClinVar:

NM_152703.5(SAMD9L):c.451A>C (p.Lys151Gln)

Gene: SAMD9L (sterile alpha motif domain containing 9 like; minus strand). Cytogenetic location: 7q21.2.
Variant type: single nucleotide variant.
Coding change: c.451A>C on transcript NM_152703.5 (MANE Select); coding-DNA position 451, A replaced by C.
Protein change: p.Lys151Gln; replaces lysine 151 with glutamine.
Molecular consequence: missense variant.
Genome position (GRCh38, 1-based): chr7:93,135,521, T>G on the plus strand (A>C on the coding strand, the complement: SAMD9L is on the minus strand). VCF-style: chr7-93135521-T-G. GRCh37 (hg19) VCF-style: chr7-92764834-T-G.
Other names: c.451A>C (NM_152703.2); c.451A>C, p.Lys151Gln (NM_001303496.3, NM_001303497.3, NM_001303498.3 and 5 more transcripts); short protein forms K151Q.
Identifiers: ClinVar variation 3725281 (VCV003725281.3).
Genomic context (GRCh38, chr7:93,135,521, plus strand): 5'-ACTGATCAAAAGGATATGGCATACAAGTCAATTGTTCAGGTTTTAGCTTACCCTTTTTCT[T>G]GTGTTTAGCATTTGCTACTTCATCTAACACATTTTCTTTCATAAGAATTGATTCTTCTTG-3'
Protein context (NP_689916.2, residues 141-161): VLDEVANAKH[Lys151Gln]KKGKLKPEQL

ClinVar aggregate classification (germline): Uncertain significance. Review status: criteria provided, multiple submitters, no conflicts (2 of 4 stars). 2 submissions from 2 submitters: Uncertain significance (2). Last evaluated 2026-07-20.

Conditions:
Inborn genetic diseases. Identifiers: MedGen C0950123, MeSH D030342.

Submissions (2):

Ambry Genetics
Classification: Uncertain significance for Inborn genetic diseases. Last evaluated: 2026-07-20. Review status: criteria provided, single submitter. Criteria: Ambry Variant Classification Scheme 2023. Collection method: clinical testing. Allele origin: germline.
Comment: The p.K151Q variant (also known as c.451A>C), located in coding exon 1 of the SAMD9L gene, results from an A to C substitution at nucleotide position 451. The lysine at codon 151 is replaced by glutamine, an amino acid with similar properties. This amino acid position is conserved. In addition, this alteration is predicted to be tolerated by in silico analysis. Based on the available evidence, the clinical significance of this variant remains unclear.

Labcorp Genetics (formerly Invitae), Labcorp
Classification: Uncertain significance. Last evaluated: 2024-11-14. Review status: criteria provided, single submitter. Criteria: Invitae Variant Classification Sherloc (09022015). Collection method: clinical testing. Allele origin: germline.
Comment: This sequence change replaces lysine, which is basic and polar, with glutamine, which is neutral and polar, at codon 151 of the SAMD9L protein (p.Lys151Gln). This variant is not present in population databases (gnomAD no frequency). This variant has not been reported in the literature in individuals affected with SAMD9L-related conditions. An algorithm developed to predict the effect of missense changes on protein structure and function outputs the following: PolyPhen-2: "Benign". The glutamine amino acid residue is found in multiple mammalian species, which suggests that this missense change does not adversely affect protein function. In summary, the available evidence is currently insufficient to determine the role of this variant in disease. Therefore, it has been classified as a Variant of Uncertain Significance.